The following is an entry in ClinVar:

NM_031471.6(FERMT3):c.1119G>C (p.Trp373Cys)

Gene: FERMT3 (FERM domain containing kindlin 3; plus strand). Cytogenetic location: 11q13.1.
Variant type: single nucleotide variant.
Coding change: c.1119G>C on transcript NM_031471.6 (MANE Select); coding-DNA position 1119, G replaced by C.
Protein change: p.Trp373Cys; replaces tryptophan 373 with cysteine.
Molecular consequence: missense variant.
Genome position (GRCh38, 1-based): chr11:64,219,930, G>C. VCF-style: chr11-64219930-G-C. GRCh37 (hg19) VCF-style: chr11-63987402-G-C.
Other names: c.1119G>C, p.Trp373Cys (NM_001382361.1, NM_001382448.1); c.1131G>C, p.Trp377Cys (NM_001382362.1, NM_178443.3); c.579G>C, p.Trp193Cys (NM_001382363.1); c.591G>C, p.Trp197Cys (NM_001382364.1); c.1119G>C (NM_031471.5); short protein forms W197C, W373C, W377C, W193C.
Identifiers: ClinVar variation 1035365 (VCV001035365.9), dbSNP rs1347504374, ClinGen allele CA381086736.
Genomic context (GRCh38, chr11:64,219,930, plus strand): 5'-AAACCCCAGCATCCCACGAAGGCCCCGGAAGCTGACCCTGAAGGGCTACCGCCAACACTG[G>C]GTGGTGTTCAAGGAGACCACACTGTCCTACTACAAGAGCCAGGACGAGGCCCCTGGGGAC-3'
Protein context (NP_113659.3, residues 363-383): KLTLKGYRQH[Trp373Cys]VVFKETTLSY

ClinVar aggregate classification (germline): Uncertain significance. Review status: criteria provided, multiple submitters, no conflicts (2 of 4 stars). 2 submissions from 2 submitters: Uncertain significance (2). Last evaluated 2024-01-16.

Conditions:
Inborn genetic diseases. Identifiers: MedGen C0950123, MeSH D030342.
Leukocyte adhesion deficiency 3. Also called: INTEGRIN ACTIVATION DEFICIENCY DISEASE; LEUKOCYTE ADHESION DEFICIENCY 1 VARIANT; Leukocyte adhesion deficiency, type III. Identifiers: Orphanet 2968, Orphanet 99844, MedGen C2748536, MONDO:0013016, OMIM 612840.

Allele frequency attached by ClinVar (database versions not stated): gnomAD exomes below 0.00001; TOPMed below 0.00001; gnomAD 0.00001.
gnomAD v4.1: 6 of 1,613,822 alleles (0.00037%); highest among the groups gnomAD compares: Non-Finnish European, 0.00051%; no homozygotes.

Submissions (2):

Ambry Genetics
Classification: Uncertain significance for Inborn genetic diseases. Last evaluated: 2024-01-16. Review status: criteria provided, single submitter. Criteria: Ambry Variant Classification Scheme 2023. Collection method: clinical testing. Allele origin: germline.

Labcorp Genetics (formerly Invitae), Labcorp
Classification: Uncertain significance for Leukocyte adhesion deficiency 3. Last evaluated: 2020-05-12. Review status: criteria provided, single submitter. Criteria: Invitae Variant Classification Sherloc (09022015). Collection method: clinical testing. Allele origin: germline.
Comment: In summary, the available evidence is currently insufficient to determine the role of this variant in disease. Therefore, it has been classified as a Variant of Uncertain Significance. Algorithms developed to predict the effect of missense changes on protein structure and function are either unavailable or do not agree on the potential impact of this missense change (SIFT: "Deleterious"; PolyPhen-2: "Probably Damaging"; Align-GVGD: "Class C0"). This variant has not been reported in the literature in individuals with FERMT3-related conditions. This variant is not present in population databases (ExAC no frequency). This sequence change replaces tryptophan with cysteine at codon 373 of the FERMT3 protein (p.Trp373Cys). The tryptophan residue is moderately conserved and there is a large physicochemical difference between tryptophan and cysteine.